The following is an entry in ClinVar:

NM_139076.3(ABRAXAS1):c.908A>T (p.Asn303Ile)

Gene: ABRAXAS1 (abraxas 1, BRCA1 A complex subunit; minus strand). Cytogenetic location: 4q21.23.
Variant type: single nucleotide variant.
Coding change: c.908A>T on transcript NM_139076.3 (MANE Select); coding-DNA position 908, A replaced by T.
Protein change: p.Asn303Ile; replaces asparagine 303 with isoleucine.
Molecular consequence: missense variant.
Genome position (GRCh38, 1-based): chr4:83,462,791, T>A on the plus strand (A>T on the coding strand, the complement: ABRAXAS1 is on the minus strand). VCF-style: chr4-83462791-T-A. GRCh37 (hg19) VCF-style: chr4-84383944-T-A.
Other names: c.581A>T, p.Asn194Ile (NM_001345962.2); short protein forms N194I, N303I.
Identifiers: ClinVar variation 1799673 (VCV001799673.3), dbSNP rs1296803874, ClinGen allele CA357256215.

ClinVar aggregate classification (germline): Uncertain significance (1 of 4 stars; one submission).

Allele frequency attached by ClinVar (database versions not stated): gnomAD 0.00001.
gnomAD v4.1: 5 of 1,613,834 alleles (0.00031%); highest among the groups gnomAD compares: African/African-American, 0.0013%; no homozygotes.

Submission:

Ambry Genetics
Classification: Uncertain significance. Last evaluated: 2024-07-18. Review status: criteria provided, single submitter. Criteria: Ambry Variant Classification Scheme 2023. Collection method: clinical testing. Allele origin: germline.
Comment: The p.N303I variant (also known as c.908A>T), located in coding exon 9 of the FAM175A gene, results from an A to T substitution at nucleotide position 908. The asparagine at codon 303 is replaced by isoleucine, an amino acid with dissimilar properties. This amino acid position is conserved. In addition, this alteration is predicted to be tolerated by in silico analysis. Since supporting evidence is limited at this time, the clinical significance of this alteration remains unclear.